The following is an entry in ClinVar:

NM_021975.4(RELA):c.28C>T (p.Pro10Ser)

Gene: RELA (RELA proto-oncogene, NF-kB subunit; minus strand). Cytogenetic location: 11q13.1.
Variant type: single nucleotide variant.
Coding change: c.28C>T on transcript NM_021975.4 (MANE Select); coding-DNA position 28, C replaced by T.
Protein change: p.Pro10Ser; replaces proline 10 with serine.
Molecular consequence: missense variant.
Genome position (GRCh38, 1-based): chr11:65,662,185, G>A on the plus strand (C>T on the coding strand, the complement: RELA is on the minus strand). VCF-style: chr11-65662185-G-A. GRCh37 (hg19) VCF-style: chr11-65429656-G-A.
Other names: c.28C>T, p.Pro10Ser (NM_001145138.2, NM_001243984.2, NM_001243985.2 and 3 more transcripts); c.-262C>T (NM_001404661.1); c.-66C>T (NM_001404662.1, NM_001404663.1); short protein forms P10S.
Identifiers: ClinVar variation 1950404 (VCV001950404.5), dbSNP rs1263528129, ClinGen allele CA381395159.
Genomic context (GRCh38, chr11:65,662,185, plus strand): 5'-CCCCACTGCCCTACCCCAGGGAGCACCTCCCCGACCGCCGCGGGGGCCACTTACCTGCCG[G>A]GAAGATGAGGGGGAACAGTTCTGAAAGGGGAGGGAGATCAGGGTCAGCACACACCCAATG-3'
Protein context (NP_068810.3, residues 1-20): MDELFPLIF[Pro10Ser]AEPAQASGPY

ClinVar aggregate classification (germline): Uncertain significance (1 of 4 stars; one submission).

Allele frequency attached by ClinVar (database versions not stated): TOPMed below 0.00001; gnomAD exomes 0.00001.
gnomAD v4.1: 8 of 1,588,414 alleles (0.0005%); highest among the groups gnomAD compares: Admixed American, 0.0019%; no homozygotes.

Submission:

Labcorp Genetics (formerly Invitae), Labcorp
Classification: Uncertain significance. Last evaluated: 2025-02-23. Review status: criteria provided, single submitter. Criteria: Invitae Variant Classification Sherloc (09022015). Collection method: clinical testing. Allele origin: germline.
Comment: This sequence change replaces proline, which is neutral and non-polar, with serine, which is neutral and polar, at codon 10 of the RELA protein (p.Pro10Ser). This variant is not present in population databases (gnomAD no frequency). This variant has not been reported in the literature in individuals affected with RELA-related conditions. ClinVar contains an entry for this variant (Variation ID: 1950404). An algorithm developed to predict the effect of missense changes on protein structure and function outputs the following: PolyPhen-2: "Benign". The serine amino acid residue is found in multiple mammalian species, which suggests that this missense change does not adversely affect protein function. In summary, the available evidence is currently insufficient to determine the role of this variant in disease. Therefore, it has been classified as a Variant of Uncertain Significance.